The following is an entry in ClinVar:

NM_025099.6(CTC1):c.366A>G (p.Ala122=)

Gene: CTC1 (CST telomere replication complex component 1; minus strand). Cytogenetic location: 17p13.1.
Variant type: single nucleotide variant.
Coding change: c.366A>G on transcript NM_025099.6 (MANE Select); coding-DNA position 366, A replaced by G.
Protein change: p.Ala122=; no amino-acid change (alanine 122 retained).
Molecular consequence: synonymous variant. On other transcripts: non-coding transcript variant (1).
Genome position (GRCh38, 1-based): chr17:8,238,461, T>C on the plus strand (A>G on the coding strand, the complement: CTC1 is on the minus strand). VCF-style: chr17-8238461-T-C. GRCh37 (hg19) VCF-style: chr17-8141779-T-C.
Other names: p.Ala122=.
Identifiers: ClinVar variation 326087 (VCV000326087.30), dbSNP rs73244859, ClinGen allele CA8372647.

ClinVar aggregate classification (germline): Benign/Likely benign. Review status: criteria provided, multiple submitters, no conflicts (2 of 4 stars). 8 submissions from 8 submitters: Benign (7); Likely benign (1). Last evaluated 2026-02-03.

Conditions:
Dyskeratosis congenita. Identifiers: Orphanet 1775, MedGen C0265965, MONDO:0015780.
Cerebroretinal microangiopathy with calcifications and cysts 1 (CRMCC1). Identifiers: Orphanet 313838, MedGen C4552029, MONDO:0024564, OMIM 612199.

Allele frequency attached by ClinVar (database versions not stated): 1000 Genomes Project 30x 0.02561; gnomAD exomes 0.00203 and 0.00521; ExAC 0.00627; gnomAD 0.01984 and 0.02139; ESP Exome Variant Server 0.02010; TOPMed 0.02074; 1000 Genomes Project 0.02216.
gnomAD v4.1: 6,101 of 1,614,188 alleles (0.38%); highest among the groups gnomAD compares: African/African-American, 6.9%; 190 homozygotes.

Submissions (8):

Labcorp Genetics (formerly Invitae), Labcorp
Classification: Benign for Dyskeratosis congenita. Last evaluated: 2026-02-03. Review status: criteria provided, single submitter. Criteria: Invitae Variant Classification Sherloc (09022015). Collection method: clinical testing. Allele origin: germline.

Blueprint Genetics
Classification: Likely benign. Last evaluated: 2024-11-27. Review status: criteria provided, single submitter. Criteria: ACMG Guidelines, 2015. Collection method: clinical testing. Allele origin: germline.

ARUP Laboratories, Molecular Genetics and Genomics, ARUP Laboratories
Classification: Benign for Cerebroretinal microangiopathy with calcifications and cysts 1. Last evaluated: 2024-05-07. Review status: criteria provided, single submitter. Criteria: ARUP Molecular Germline Variant Investigation Process 2024. Collection method: clinical testing. Allele origin: germline.

Mayo Clinic Laboratories, Mayo Clinic
Classification: Benign. Last evaluated: 2023-07-19. Review status: criteria provided, single submitter. Criteria: ACMG Guidelines, 2015. Collection method: clinical testing. Allele origin: germline. Observed: 14 variant alleles.

Genome-Nilou Lab
Classification: Benign for Cerebroretinal microangiopathy with calcifications and cysts 1. Last evaluated: 2021-07-15. Review status: criteria provided, single submitter. Criteria: ACMG Guidelines, 2015. Collection method: clinical testing. Allele origin: germline. Affected: no.

GeneDx
Classification: Benign. Last evaluated: 2019-03-20. Review status: criteria provided, single submitter. Criteria: GeneDx Variant Classification Process June 2021. Collection method: clinical testing. Allele origin: germline. Affected: yes.

Illumina Laboratory Services, Illumina
Classification: Benign for Dyskeratosis congenita. Last evaluated: 2018-01-12. Review status: criteria provided, single submitter. Criteria: ICSL Variant Classification Criteria 13 December 2019. Collection method: clinical testing. Allele origin: germline.
Comment: This variant was observed in the ICSL laboratory as part of a predisposition screen in an ostensibly healthy population. It had not been previously curated by ICSL or reported in the Human Gene Mutation Database (HGMD: prior to June 1st, 2018), and was therefore a candidate for classification through an automated scoring system. Utilizing variant allele frequency, disease prevalence and penetrance estimates, and inheritance mode, an automated score was calculated to assess if this variant is too frequent to cause the disease. Based on the score and internal cut-off values, a variant classified as benign is not then subjected to further curation. The score for this variant resulted in a classification of benign for this disease.

Breakthrough Genomics
Classification: Benign. Review status: criteria provided, single submitter. Criteria: ACMG Guidelines, 2015. Collection method: not provided. Allele origin: germline. Inheritance: Autosomal recessive inheritance. Affected: yes.